The following is an entry in ClinVar:

NM_001174089.2(SLC4A11):c.1108T>C (p.Cys370Arg)

Gene: SLC4A11 (solute carrier family 4 member 11; minus strand). Cytogenetic location: 20p13.
Variant type: single nucleotide variant.
Coding change: c.1108T>C on transcript NM_001174089.2 (MANE Select); coding-DNA position 1108, T replaced by C.
Protein change: p.Cys370Arg; replaces cysteine 370 with arginine.
Molecular consequence: missense variant. On other transcripts: non-coding transcript variant (3).
Genome position (GRCh38, 1-based): chr20:3,230,993, A>G on the plus strand (T>C on the coding strand, the complement: SLC4A11 is on the minus strand). VCF-style: chr20-3230993-A-G. GRCh37 (hg19) VCF-style: chr20-3211639-A-G.
Other names: c.1237T>C, p.Cys413Arg (NM_001174090.2, NM_001400280.1); c.1108T>C, p.Cys370Arg (NM_001363745.2); c.1051T>C, p.Cys351Arg (NM_001400277.1, NM_001400278.1, NM_001400279.1); c.1156T>C, p.Cys386Arg (NM_032034.4); short protein forms C370R, C351R, C413R, C386R.
Identifiers: ClinVar variation 2138324 (VCV002138324.4), dbSNP rs2514560054, ClinGen allele CA408089205.

ClinVar aggregate classification (germline): Pathogenic (1 of 4 stars; one submission).

Allele frequency attached by ClinVar (database versions not stated): gnomAD exomes below 0.00001.
gnomAD v4.1: 1 of 1,611,906 alleles (0.000062%); highest among the groups gnomAD compares: South Asian, 0.0011%; no homozygotes.

Submission:

Labcorp Genetics (formerly Invitae), Labcorp
Classification: Pathogenic. Last evaluated: 2022-08-12. Review status: criteria provided, single submitter. Criteria: Invitae Variant Classification Sherloc (09022015). Collection method: clinical testing. Allele origin: germline.
Comment: This sequence change replaces cysteine, which is neutral and slightly polar, with arginine, which is basic and polar, at codon 386 of the SLC4A11 protein (p.Cys386Arg). This variant is not present in population databases (gnomAD no frequency). This missense change has been observed in individuals with corneal hereditary endothelial dystrophy (PMID: 17397048, 18474783, 21203343, 27609159). Algorithms developed to predict the effect of missense changes on protein structure and function are either unavailable or do not agree on the potential impact of this missense change (SIFT: "Deleterious"; PolyPhen-2: "Probably Damaging"; Align-GVGD: "Class C0"). Experimental studies have shown that this missense change affects SLC4A11 function (PMID: 22072594, 30557570). For these reasons, this variant has been classified as Pathogenic.

Literature cited by the submitters: PubMed 17397048; PubMed 18474783; PubMed 21203343; PubMed 27609159; PubMed 22072594; PubMed 30557570.